The following is an entry in ClinVar:

ClinVar aggregate classification (germline): Conflicting classifications of pathogenicity. Review status: criteria provided, conflicting classifications (1 of 4 stars). 4 submissions from 4 submitters: Uncertain significance (1); Likely benign (2). 1 of the submissions does not count toward it. Last evaluated 2026-02-01.

Conditions:
MYO18B-related disorder. Also called: MYO18B-related condition.
Inborn genetic diseases. Identifiers: MedGen C0950123, MeSH D030342.

Allele frequency attached by ClinVar (database versions not stated): gnomAD exomes 0.00010 and 0.00029; ExAC 0.00031; gnomAD 0.00098 and 0.00106; TOPMed 0.00119; ESP Exome Variant Server 0.00132; 1000 Genomes Project 0.00180; 1000 Genomes Project 30x 0.00187.
gnomAD v4.1: 303 of 1,613,626 alleles (0.019%); highest among the groups gnomAD compares: African/African-American, 0.34%; 1 homozygote.

Submissions (4):

Labcorp Genetics (formerly Invitae), Labcorp
Classification: Likely benign. Last evaluated: 2026-02-01. Review status: criteria provided, single submitter. Criteria: Invitae Variant Classification Sherloc (09022015). Collection method: clinical testing. Allele origin: germline.

Women's Health and Genetics/Laboratory Corporation of America, LabCorp
Classification: Likely benign. Last evaluated: 2024-06-10. Review status: criteria provided, single submitter. Criteria: LabCorp Variant Classification Summary - May 2015. Collection method: clinical testing. Allele origin: germline.
Comment: Variant summary: MYO18B c.6507G>T (p.Gln2169His) results in a non-conservative amino acid change in the encoded protein sequence. Four of five in-silico tools predict a benign effect of the variant on protein function. The variant allele was found at a frequency of 0.00029 in 248812 control chromosomes, predominantly at a frequency of 0.0042 within the African or African-American subpopulation in the gnomAD database. The observed variant frequency within African or African-American control individuals in the gnomAD database exceeds the estimated maximal expected allele frequency for a pathogenic variant in MYO18B causing Klippel-Feil Anomaly-Myopathy Dysmorphism Syndrome phenotype. To our knowledge, no occurrence of c.6507G>T in individuals affected with Klippel-Feil Anomaly-Myopathy Dysmorphism Syndrome and no experimental evidence demonstrating its impact on protein function have been reported. ClinVar contains an entry for this variant (Variation ID: 1545313). Based on the evidence outlined above, the variant was classified as likely benign.

Ambry Genetics
Classification: Uncertain significance for Inborn genetic diseases. Last evaluated: 2021-07-06. Review status: criteria provided, single submitter. Criteria: Ambry Variant Classification Scheme 2023. Collection method: clinical testing. Allele origin: germline.

PreventionGenetics, part of Exact Sciences
Classification: Likely benign for MYO18B-related condition. Last evaluated: 2022-05-09. Review status: no assertion criteria provided. Collection method: clinical testing. Allele origin: germline. Not counted in ClinVar's aggregate classification.
Comment: This variant is classified as likely benign based on ACMG/AMP sequence variant interpretation guidelines (Richards et al. 2015 PMID: 25741868, with internal and published modifications).

NM_032608.7(MYO18B):c.6507G>T (p.Gln2169His)

Gene: MYO18B (myosin XVIIIB; plus strand). Cytogenetic location: 22q12.1.
Variant type: single nucleotide variant.
Coding change: c.6507G>T on transcript NM_032608.7 (MANE Select); coding-DNA position 6507, G replaced by T.
Protein change: p.Gln2169His; replaces glutamine 2169 with histidine.
Molecular consequence: missense variant.
Genome position (GRCh38, 1-based): chr22:26,026,481, G>T. VCF-style: chr22-26026481-G-T. GRCh37 (hg19) VCF-style: chr22-26422447-G-T.
Other names: c.6507G>T (NM_032608.5, NM_032608.6); c.6510G>T, p.Gln2170His (NM_001318245.2); short protein forms Q2169H, Q2170H.
Identifiers: ClinVar variation 1545313 (VCV001545313.12), dbSNP rs147879793, ClinGen allele CA10161553.